The following is an entry in ClinVar:

ClinVar aggregate classification (germline): Uncertain significance (1 of 4 stars; one submission).

Conditions:
Juvenile polyposis syndrome (JPS). Identifiers: Orphanet 2929, MedGen C0345893, MONDO:0017380, OMIM 174900.

Submission:

Labcorp Genetics (formerly Invitae), Labcorp
Classification: Uncertain significance for Juvenile polyposis syndrome. Last evaluated: 2023-11-16. Review status: criteria provided, single submitter. Criteria: Invitae Variant Classification Sherloc (09022015). Collection method: clinical testing. Allele origin: germline.
Comment: This sequence change replaces proline, which is neutral and non-polar, with threonine, which is neutral and polar, at codon 522 of the SMAD4 protein (p.Pro522Thr). This variant is not present in population databases (gnomAD no frequency). This variant has not been reported in the literature in individuals affected with SMAD4-related conditions. Advanced modeling of protein sequence and biophysical properties (such as structural, functional, and spatial information, amino acid conservation, physicochemical variation, residue mobility, and thermodynamic stability) has been performed at Invitae for this missense variant, however the output from this modeling did not meet the statistical confidence thresholds required to predict the impact of this variant on SMAD4 protein function. In summary, the available evidence is currently insufficient to determine the role of this variant in disease. Therefore, it has been classified as a Variant of Uncertain Significance.

NM_005359.6(SMAD4):c.1564C>A (p.Pro522Thr)

Gene: SMAD4 (SMAD family member 4; plus strand). Cytogenetic location: 18q21.2.
Variant type: single nucleotide variant.
Coding change: c.1564C>A on transcript NM_005359.6 (MANE Select); coding-DNA position 1564, C replaced by A.
Protein change: p.Pro522Thr; replaces proline 522 with threonine.
Molecular consequence: missense variant. On other transcripts: non-coding transcript variant (1).
Genome position (GRCh38, 1-based): chr18:51,078,372, C>A. VCF-style: chr18-51078372-C-A. GRCh37 (hg19) VCF-style: chr18-48604742-C-A.
Other names: c.1564C>A, p.Pro522Thr (NM_001407041.1, NM_001407042.1); short protein forms P522T.
Identifiers: ClinVar variation 2696319 (VCV002696319.3), dbSNP rs2144479003, ClinGen allele CA402466041.